The following is an entry in ClinVar:

NM_020134.4(DPYSL5):c.27G>A (p.Arg9=)

Gene: DPYSL5 (dihydropyrimidinase like 5; plus strand). Cytogenetic location: 2p23.3.
Variant type: single nucleotide variant.
Coding change: c.27G>A on transcript NM_020134.4 (MANE Select); coding-DNA position 27, G replaced by A.
Protein change: p.Arg9=; no amino-acid change (arginine 9 retained).
Molecular consequence: synonymous variant.
Genome position (GRCh38, 1-based): chr2:26,898,526, G>A. VCF-style: chr2-26898526-G-A. GRCh37 (hg19) VCF-style: chr2-27121394-G-A.
Other names: c.27G>A, p.Arg9= (NM_001253723.2, NM_001253724.2).
Identifiers: ClinVar variation 2650752 (VCV002650752.24), dbSNP rs79644076, ClinGen allele CA1566052.

ClinVar aggregate classification (germline): Benign (1 of 4 stars; one submission).

Allele frequency attached by ClinVar (database versions not stated): 1000 Genomes Project 30x 0.00125; 1000 Genomes Project 0.00140; TOPMed 0.00510; gnomAD 0.00630; ESP Exome Variant Server 0.00654; ExAC 0.00706; gnomAD exomes 0.00975.
gnomAD v4.1: 15,096 of 1,614,118 alleles (0.94%); highest among the groups gnomAD compares: Non-Finnish European, 1.1%; 98 homozygotes.

Submission:

CeGaT Center for Human Genetics Tuebingen
Classification: Benign. Last evaluated: 2026-09-01. Review status: criteria provided, single submitter. Criteria: CeGaT Center For Human Genetics Tuebingen Variant Classification Criteria Version 2. Collection method: clinical testing. Allele origin: germline. Affected: yes. Observed: 12 variant alleles.
Comment: DPYSL5: BP4, BS1, BS2